The following is an entry in ClinVar:

ClinVar aggregate classification (germline): Benign/Likely benign. Review status: criteria provided, multiple submitters, no conflicts (2 of 4 stars). 12 submissions from 11 submitters: Benign (5); Likely benign (5). 2 of the submissions do not count toward it. Last evaluated 2026-10-01.

Conditions:
Rothmund-Thomson syndrome type 2 (RTS2). Identifiers: Orphanet 221016, MedGen C5203410, MONDO:0016369, OMIM 268400.
Hereditary cancer-predisposing syndrome. Also called: Hereditary neoplastic syndrome; Tumor predisposition; Neoplastic Syndromes, Hereditary; Hereditary Cancer Syndrome. Identifiers: Orphanet 140162, MedGen C0027672, MeSH D009386, MONDO:0015356.
Inborn genetic diseases. Identifiers: MedGen C0950123, MeSH D030342.
Rapadilino syndrome. Identifiers: Orphanet 3021, MedGen C1849453, MONDO:0009955, OMIM 266280.
Baller-Gerold syndrome (BGS). Also called: CRANIOSYNOSTOSIS WITH RADIAL DEFECTS. Identifiers: Orphanet 1225, MedGen C0265308, MONDO:0009039, OMIM 218600.

Allele frequency attached by ClinVar (database versions not stated): 1000 Genomes Project 0.00080; 1000 Genomes Project 30x 0.00141; TOPMed 0.00335; gnomAD 0.00342 and 0.00353; gnomAD exomes 0.00352 and 0.00588; ESP Exome Variant Server 0.00384; ExAC 0.00401.
gnomAD v4.1: 9,018 of 1,609,986 alleles (0.56%); highest among the groups gnomAD compares: Non-Finnish European, 0.68%; 32 homozygotes.

Submissions (12):

CeGaT Center for Human Genetics Tuebingen
Classification: Likely benign. Last evaluated: 2026-10-01. Review status: criteria provided, single submitter. Criteria: CeGaT Center For Human Genetics Tuebingen Variant Classification Criteria Version 2. Collection method: clinical testing. Allele origin: germline. Affected: yes. Observed: 64 variant alleles.
Comment: RECQL4: BP4, BP7, BS2

Labcorp Genetics (formerly Invitae), Labcorp
Classification: Benign for Baller-Gerold syndrome. Last evaluated: 2026-02-01. Review status: criteria provided, single submitter. Criteria: Invitae Variant Classification Sherloc (09022015). Collection method: clinical testing. Allele origin: germline.

KCCC/NGS Laboratory, Kuwait Cancer Control Center
Classification: Benign for Rapadilino syndrome. Last evaluated: 2025-02-01. Review status: criteria provided, single submitter. Criteria: ACMG Guidelines, 2015. Collection method: clinical testing. Allele origin: germline. Affected: no.

Blueprint Genetics
Classification: Likely benign. Last evaluated: 2024-11-27. Review status: criteria provided, single submitter. Criteria: ACMG Guidelines, 2015. Collection method: clinical testing. Allele origin: germline.

Ambry Genetics
Classification: Likely benign for Inborn genetic diseases. Last evaluated: 2024-10-02. Review status: criteria provided, single submitter. Criteria: Ambry Variant Classification Scheme 2023. Collection method: clinical testing. Allele origin: germline.

KCCC/NGS Laboratory, Kuwait Cancer Control Center
Classification: Benign for Rothmund-Thomson syndrome type 2. Last evaluated: 2023-07-07. Review status: criteria provided, single submitter. Criteria: ACMG Guidelines, 2015. Collection method: clinical testing. Allele origin: germline. Affected: yes.

Institute for Clinical Genetics, University Hospital TU Dresden, University Hospital TU Dresden
Classification: Benign. Last evaluated: 2021-11-03. Review status: criteria provided, single submitter. Criteria: ACMG Guidelines, 2015. Collection method: clinical testing. Allele origin: germline.

Sema4
Classification: Likely benign for Hereditary cancer-predisposing syndrome. Last evaluated: 2021-07-23. Review status: criteria provided, single submitter. Criteria: Sema4 Curation Guidelines. Collection method: curation. Allele origin: germline.

Genetic Services Laboratory, University of Chicago
Classification: Likely benign. Last evaluated: 2017-03-08. Review status: criteria provided, single submitter. Criteria: ACMG Guidelines, 2015. Collection method: clinical testing. Allele origin: germline. Affected: no.

Eurofins Ntd Llc (ga)
Classification: Benign. Last evaluated: 2015-05-13. Review status: criteria provided, single submitter. Criteria: EGL Classification Definitions 2015. Collection method: clinical testing. Allele origin: germline. Observed: 1 variant allele, 1 heterozygote.

Clinical Genetics DNA and cytogenetics Diagnostics Lab, Erasmus MC, Erasmus Medical Center
Classification: Likely benign. Review status: no assertion criteria provided. Collection method: clinical testing. Allele origin: germline. Affected: yes. Study: VKGL Data-share Consensus. Not counted in ClinVar's aggregate classification.

Genome Diagnostics Laboratory, University Medical Center Utrecht
Classification: Likely benign. Review status: no assertion criteria provided. Collection method: clinical testing. Allele origin: germline. Affected: yes. Study: VKGL Data-share Consensus. Not counted in ClinVar's aggregate classification.

NM_004260.4(RECQL4):c.543G>A (p.Gln181=)

Gene: RECQL4 (RecQ like helicase 4; minus strand). Cytogenetic location: 8q24.3.
Variant type: single nucleotide variant.
Coding change: c.543G>A on transcript NM_004260.4 (MANE Select); coding-DNA position 543, G replaced by A.
Protein change: p.Gln181=; no amino-acid change (glutamine 181 retained).
Molecular consequence: synonymous variant.
Genome position (GRCh38, 1-based): chr8:144,516,576, C>T on the plus strand (G>A on the coding strand, the complement: RECQL4 is on the minus strand). VCF-style: chr8-144516576-C-T. GRCh37 (hg19) VCF-style: chr8-145741960-C-T.
Identifiers: ClinVar variation 197760 (VCV000197760.63), dbSNP rs34159914, ClinGen allele CA203063.